The following is an entry in ClinVar:

NM_006231.4(POLE):c.4285A>T (p.Thr1429Ser)

Gene: POLE (DNA polymerase epsilon, catalytic subunit; minus strand). Cytogenetic location: 12q24.33.
Variant type: single nucleotide variant.
Coding change: c.4285A>T on transcript NM_006231.4 (MANE Select); coding-DNA position 4285, A replaced by T.
Protein change: p.Thr1429Ser; replaces threonine 1429 with serine.
Molecular consequence: missense variant.
Genome position (GRCh38, 1-based): chr12:132,643,842, T>A on the plus strand (A>T on the coding strand, the complement: POLE is on the minus strand). VCF-style: chr12-132643842-T-A. GRCh37 (hg19) VCF-style: chr12-133220428-T-A.
Other names: short protein forms T1429S.
Identifiers: ClinVar variation 405827 (VCV000405827.16), dbSNP rs759497382, ClinGen allele CA6892920.

ClinVar aggregate classification (germline): Uncertain significance. Review status: criteria provided, multiple submitters, no conflicts (2 of 4 stars). 5 submissions from 5 submitters: Uncertain significance (5). Last evaluated 2024-12-29.

Conditions:
Facial dysmorphism-immunodeficiency-livedo-short stature syndrome. Also called: Facial dysmorphism, immunodeficiency, livedo, and short stature; FILS syndrome. Identifiers: Orphanet 352712, MedGen C3554576, MONDO:0014058, OMIM 615139.
Colorectal cancer, susceptibility to, 12 (CRCS12). Also called: COLORECTAL CANCER, SUSCEPTIBILITY TO, ON CHROMOSOME 12q24. Identifiers: Orphanet 220460, MedGen C3554460, MONDO:0014038, OMIM 615083.
Hereditary cancer-predisposing syndrome. Also called: Hereditary Cancer Syndrome; Hereditary neoplastic syndrome; Neoplastic Syndromes, Hereditary; Tumor predisposition. Identifiers: Orphanet 140162, MedGen C0027672, MeSH D009386, MONDO:0015356.

Allele frequency attached by ClinVar (database versions not stated): gnomAD exomes below 0.00001 and 0.00001; gnomAD 0.00001 and 0.00006; ExAC 0.00003; TOPMed 0.00005.
gnomAD v4.1: 10 of 1,613,438 alleles (0.00062%); highest among the groups gnomAD compares: Non-Finnish European, 0.00034%; no homozygotes.

Submissions (5):

Labcorp Genetics (formerly Invitae), Labcorp
Classification: Uncertain significance. Last evaluated: 2024-12-29. Review status: criteria provided, single submitter. Criteria: Invitae Variant Classification Sherloc (09022015). Collection method: clinical testing. Allele origin: germline.
Comment: This sequence change replaces threonine, which is neutral and polar, with serine, which is neutral and polar, at codon 1429 of the POLE protein (p.Thr1429Ser). This variant is present in population databases (rs759497382, gnomAD 0.003%). This variant has not been reported in the literature in individuals affected with POLE-related conditions. ClinVar contains an entry for this variant (Variation ID: 405827). Invitae Evidence Modeling of protein sequence and biophysical properties (such as structural, functional, and spatial information, amino acid conservation, physicochemical variation, residue mobility, and thermodynamic stability) indicates that this missense variant is not expected to disrupt POLE protein function with a negative predictive value of 80%. In summary, the available evidence is currently insufficient to determine the role of this variant in disease. Therefore, it has been classified as a Variant of Uncertain Significance.

Ambry Genetics
Classification: Uncertain significance for Hereditary cancer-predisposing syndrome. Last evaluated: 2024-12-24. Review status: criteria provided, single submitter. Criteria: Ambry Variant Classification Scheme 2023. Collection method: clinical testing. Allele origin: germline.
Comment: The p.T1429S variant (also known as c.4285A>T), located in coding exon 33 of the POLE gene, results from an A to T substitution at nucleotide position 4285. The threonine at codon 1429 is replaced by serine, an amino acid with similar properties. This amino acid position is highly conserved in available vertebrate species. In addition, the in silico prediction for this alteration is inconclusive. Based on the available evidence, the clinical significance of this variant remains unclear.

GeneDx
Classification: Uncertain significance. Last evaluated: 2022-03-17. Review status: criteria provided, single submitter. Criteria: GeneDx Variant Classification Process June 2021. Collection method: clinical testing. Allele origin: germline. Affected: yes.
Comment: Not observed at significant frequency in large population cohorts (gnomAD); In silico analysis supports that this missense variant has a deleterious effect on protein structure/function; Has not been previously published as pathogenic or benign to our knowledge

Quest Diagnostics Nichols Institute San Juan Capistrano
Classification: Uncertain significance. Last evaluated: 2018-12-28. Review status: criteria provided, single submitter. Criteria: Quest Diagnostics criteria. Collection method: clinical testing. Allele origin: germline.

Fulgent Genetics
Classification: Uncertain significance for Colorectal cancer, susceptibility to, 12; Facial dysmorphism-immunodeficiency-livedo-short stature syndrome. Last evaluated: 2018-10-31. Review status: criteria provided, single submitter. Criteria: ACMG Guidelines, 2015. Collection method: clinical testing. Allele origin: unknown.